The following is an entry in ClinVar:

NM_001429.4(EP300):c.6481A>G (p.Met2161Val)

Gene: EP300 (EP300 lysine acetyltransferase; plus strand). Cytogenetic location: 22q13.2.
Variant type: single nucleotide variant.
Coding change: c.6481A>G on transcript NM_001429.4 (MANE Select); coding-DNA position 6481, A replaced by G.
Protein change: p.Met2161Val; replaces methionine 2161 with valine.
Molecular consequence: missense variant.
Genome position (GRCh38, 1-based): chr22:41,178,192, A>G. VCF-style: chr22-41178192-A-G. GRCh37 (hg19) VCF-style: chr22-41574196-A-G.
Other names: c.6403A>G, p.Met2135Val (NM_001362843.2); short protein forms M2161V, M2135V.
Identifiers: ClinVar variation 134049 (VCV000134049.23), dbSNP rs188035979, ClinGen allele CA158508.
Genomic context (GRCh38, chr22:41,178,192, plus strand): 5'-CAGAGGGCTGGCCTGCCCCAGCAGCAACCACAGCAGCAACTCCAGCCACCCATGGGAGGG[A>G]TGAGCCCCCAGGCTCAGCAGATGAACATGAACCACAACACCATGCCTTCACAATTCCGAG-3'
Protein context (NP_001420.2, residues 2151-2171): QQQLQPPMGG[Met2161Val]SPQAQQMNMN

ClinVar aggregate classification (germline): Benign/Likely benign. Review status: criteria provided, multiple submitters, no conflicts (2 of 4 stars). 7 submissions from 7 submitters: Benign (1); Likely benign (4). 2 of the submissions do not count toward it. Last evaluated 2026-01-28.

Conditions:
EP300-related disorder. Also called: EP300-related disorders; EP300-related condition.
Rubinstein-Taybi syndrome due to EP300 haploinsufficiency. Also called: EP300-Related Rubinstein-Taybi Syndrome; RUBINSTEIN-TAYBI SYNDROME 2. Identifiers: Orphanet 353284, Orphanet 783, MedGen C3150941, MONDO:0013364, OMIM 613684.
Colorectal cancer. Also called: Malignant Colorectal Neoplasm; Colorectal cancer, somatic. Identifiers: MedGen C0346629, MONDO:0005575, OMIM 114500.
Menke-Hennekam syndrome 2 (MKHK2). Identifiers: MedGen C5193035, MONDO:0020769, OMIM 618333.
Rubinstein-Taybi syndrome due to CREBBP mutations (RSTS1). Also called: CREBBP-Related Rubinstein-Taybi Syndrome; RUBINSTEIN SYNDROME; Rubinstein-Taybi syndrome 1; BROAD THUMBS AND GREAT TOES, CHARACTERISTIC FACIES, AND IMPAIRED INTELLECTUAL DEVELOPMENT; RUBINSTEIN-TAYBI SYNDROME 1, INCOMPLETE; BROAD THUMB-HALLUX SYNDROME. Identifiers: Orphanet 353277, Orphanet 783, MedGen C4551859, MONDO:0008393, OMIM 180849.

Allele frequency attached by ClinVar (database versions not stated): gnomAD 0.00029 and 0.00037; gnomAD exomes 0.00030 and 0.00098; TOPMed 0.00060; ExAC 0.00086; 1000 Genomes Project 30x 0.00156; 1000 Genomes Project 0.00160.
gnomAD v4.1: 496 of 1,614,144 alleles (0.031%); highest among the groups gnomAD compares: East Asian, 1%; 3 homozygotes.

Submissions (7):

Labcorp Genetics (formerly Invitae), Labcorp
Classification: Benign for Rubinstein-Taybi syndrome due to EP300 haploinsufficiency. Last evaluated: 2026-01-28. Review status: criteria provided, single submitter. Criteria: Invitae Variant Classification Sherloc (09022015). Collection method: clinical testing. Allele origin: germline.

Blueprint Genetics
Classification: Likely benign. Last evaluated: 2024-02-29. Review status: criteria provided, single submitter. Criteria: ACMG Guidelines, 2015. Collection method: clinical testing. Allele origin: germline.

Fulgent Genetics
Classification: Likely benign for Colorectal cancer; Rubinstein-Taybi syndrome due to CREBBP mutations; Rubinstein-Taybi syndrome due to EP300 haploinsufficiency; Menke-Hennekam syndrome 2. Last evaluated: 2021-09-29. Review status: criteria provided, single submitter. Criteria: ACMG Guidelines, 2015. Collection method: clinical testing. Allele origin: unknown.

GeneDx
Classification: Likely benign. Last evaluated: 2020-01-12. Review status: criteria provided, single submitter. Criteria: GeneDx Variant Classification Process June 2021. Collection method: clinical testing. Allele origin: germline. Affected: yes.

Genetic Services Laboratory, University of Chicago
Classification: Likely benign. Last evaluated: 2013-02-08. Review status: criteria provided, single submitter. Criteria: ACMG Guidelines, 2007. Collection method: clinical testing. Allele origin: germline. Inheritance: Autosomal dominant inheritance.

PreventionGenetics, part of Exact Sciences
Classification: Benign for EP300-related condition. Last evaluated: 2019-08-09. Review status: no assertion criteria provided. Collection method: clinical testing. Allele origin: germline. Not counted in ClinVar's aggregate classification.
Comment: This variant is classified as benign based on ACMG/AMP sequence variant interpretation guidelines (Richards et al. 2015 PMID: 25741868, with internal and published modifications).

ITMI
No classification provided. Condition: AllHighlyPenetrant. Last evaluated: 2013-09-19. Review status: no classification provided. Collection method: reference population. Allele origin: germline. Not counted in ClinVar's aggregate classification.
Comment: Please see associated publication for description of ethnicities

Literature cited by the submitters: PubMed 24728327 (cited by ITMI).